The following is an entry in ClinVar:

ClinVar aggregate classification (germline): Uncertain significance. Review status: criteria provided, multiple submitters, no conflicts (2 of 4 stars). 2 submissions from 2 submitters: Uncertain significance (2). Last evaluated 2024-01-07.

Conditions:
Fraser syndrome 1 (FRASRS1). Also called: CRYPTOPHTHALMOS WITH OTHER MALFORMATIONS. Identifiers: Orphanet 2052, MedGen C4551480, MONDO:0054737, OMIM 219000.

gnomAD v4.1: 1 of 1,613,526 alleles (0.000062%); highest among the groups gnomAD compares: African/African-American, 0.0013%; no homozygotes.

Submissions (2):

Fulgent Genetics
Classification: Uncertain significance for Fraser syndrome 1. Last evaluated: 2024-01-07. Review status: criteria provided, single submitter. Criteria: ACMG Guidelines, 2015. Collection method: clinical testing. Allele origin: germline.

GeneDx
Classification: Uncertain significance. Last evaluated: 2023-03-11. Review status: criteria provided, single submitter. Criteria: GeneDx Variant Classification Process June 2021. Collection method: clinical testing. Allele origin: germline. Affected: yes.
Comment: Not observed at significant frequency in large population cohorts (gnomAD); In silico analysis supports that this missense variant has a deleterious effect on protein structure/function; Has not been previously published as pathogenic or benign to our knowledge

NM_025074.7(FRAS1):c.7987G>A (p.Ala2663Thr)

Gene: FRAS1 (Fraser extracellular matrix complex subunit 1; plus strand). Cytogenetic location: 4q21.21.
Variant type: single nucleotide variant.
Coding change: c.7987G>A on transcript NM_025074.7 (MANE Select); coding-DNA position 7987, G replaced by A.
Protein change: p.Ala2663Thr; replaces alanine 2663 with threonine.
Molecular consequence: missense variant.
Genome position (GRCh38, 1-based): chr4:78,477,950, G>A. VCF-style: chr4-78477950-G-A. GRCh37 (hg19) VCF-style: chr4-79399104-G-A.
Other names: short protein forms A2663T.
Identifiers: ClinVar variation 2579977 (VCV002579977.2), dbSNP rs1578347833, ClinGen allele CA357372243.